The following is an entry in ClinVar:

NM_014874.4(MFN2):c.1747A>G (p.Asn583Asp)

Gene: MFN2 (mitofusin 2; plus strand). Cytogenetic location: 1p36.22.
Variant type: single nucleotide variant.
Coding change: c.1747A>G on transcript NM_014874.4 (MANE Select); coding-DNA position 1747, A replaced by G.
Protein change: p.Asn583Asp; replaces asparagine 583 with aspartic acid.
Molecular consequence: missense variant.
Genome position (GRCh38, 1-based): chr1:12,006,568, A>G. VCF-style: chr1-12006568-A-G. GRCh37 (hg19) VCF-style: chr1-12066625-A-G.
Other names: c.1747A>G, p.Asn583Asp (NM_001127660.2); short protein forms N583D.
Identifiers: ClinVar variation 4682269 (VCV004682269.1).

ClinVar aggregate classification (germline): Uncertain significance (1 of 4 stars; one submission).

gnomAD v4.1: 5 of 1,614,212 alleles (0.00031%); highest among the groups gnomAD compares: Non-Finnish European, 0.00042%; no homozygotes.

Submission:

Athena Diagnostics
Classification: Uncertain significance. Last evaluated: 2025-05-05. Review status: criteria provided, single submitter. Criteria: Athena Diagnostics Criteria. Collection method: clinical testing. Allele origin: unknown.
Comment: Available data are insufficient to determine the clinical significance of the variant at this time. The frequency of this variant in the general population is uninformative in assessment of its pathogenicity. Polyphen and MutationTaster predict this amino acid change may be benign.